The following is an entry in ClinVar:

ClinVar aggregate classification (germline): Uncertain significance (1 of 4 stars; one submission).

Conditions:
Inborn genetic diseases. Identifiers: MedGen C0950123, MeSH D030342.

Submission:

Ambry Genetics
Classification: Uncertain significance for Inborn genetic diseases. Last evaluated: 2024-11-22. Review status: criteria provided, single submitter. Criteria: Ambry Variant Classification Scheme 2023. Collection method: clinical testing. Allele origin: germline.
Comment: The p.G607S variant (also known as c.1819G>A), located in coding exon 13 of the ASXL1 gene, results from a G to A substitution at nucleotide position 1819. The glycine at codon 607 is replaced by serine, an amino acid with similar properties. This amino acid position is conserved. In addition, this alteration is predicted to be tolerated by in silico analysis. Based on the available evidence, the clinical significance of this variant remains unclear.

NM_015338.6(ASXL1):c.1819G>A (p.Gly607Ser)

Gene: ASXL1 (ASXL transcriptional regulator 1; plus strand). Cytogenetic location: 20q11.21.
Variant type: single nucleotide variant.
Coding change: c.1819G>A on transcript NM_015338.6 (MANE Select); coding-DNA position 1819, G replaced by A.
Protein change: p.Gly607Ser; replaces glycine 607 with serine.
Molecular consequence: missense variant.
Genome position (GRCh38, 1-based): chr20:32,434,531, G>A. VCF-style: chr20-32434531-G-A. GRCh37 (hg19) VCF-style: chr20-31022334-G-A.
Other names: c.1636G>A, p.Gly546Ser (NM_001363734.1); short protein forms G546S, G607S.
Identifiers: ClinVar variation 3438656 (VCV003438656.1).
Genomic context (GRCh38, chr20:32,434,531, plus strand): 5'-GGTCAGCCCACTTACCAGATATGCCCCCGGATCATCCCCACCACGGAGTCCTCCTGCCGG[G>A]GTTGGACTGGCGCCAGGACCCTCGCAGACATTAAAGCCCGTGCTCTGCAGGTCCGAGGGG-3'
Protein context (NP_056153.2, residues 597-617): IIPTTESSCR[Gly607Ser]WTGARTLADI